The following is an entry in ClinVar:

ClinVar aggregate classification (germline): Pathogenic (1 of 4 stars; one submission).

Allele frequency attached by ClinVar (database versions not stated): gnomAD exomes below 0.00001.
gnomAD v4.1: 4 of 1,612,036 alleles (0.00025%); highest among the groups gnomAD compares: Non-Finnish European, 0.00034%; no homozygotes.

Submission:

Labcorp Genetics (formerly Invitae), Labcorp
Classification: Pathogenic. Last evaluated: 2020-02-11. Review status: criteria provided, single submitter. Criteria: Invitae Variant Classification Sherloc (09022015). Collection method: clinical testing. Allele origin: germline.
Comment: This sequence change creates a premature translational stop signal (p.Ser1524*) in the SZT2 gene. It is expected to result in an absent or disrupted protein product. This variant is not present in population databases (ExAC no frequency). This variant has not been reported in the literature in individuals with SZT2-related conditions. Loss-of-function variants in SZT2 are known to be pathogenic (PMID: 23932106, 27248490, 28556953). For these reasons, this variant has been classified as Pathogenic.

Literature cited by the submitters: PubMed 23932106; PubMed 27248490; PubMed 28556953.

NM_001365999.1(SZT2):c.4742C>G (p.Ser1581Ter)

Gene: SZT2 (SZT2 subunit of KICSTOR complex; plus strand). Cytogenetic location: 1p34.2.
Variant type: single nucleotide variant.
Coding change: c.4742C>G on transcript NM_001365999.1 (MANE Select); coding-DNA position 4742, C replaced by G.
Protein change: p.Ser1581Ter; replaces serine 1581 with a stop codon.
Molecular consequence: nonsense.
Genome position (GRCh38, 1-based): chr1:43,430,757, C>G. VCF-style: chr1-43430757-C-G. GRCh37 (hg19) VCF-style: chr1-43896428-C-G.
Other names: c.4571C>G, p.Ser1524Ter (NM_015284.4); short protein forms S1524*, S1581*.
Identifiers: ClinVar variation 1068654 (VCV001068654.7), dbSNP rs1168668932, ClinGen allele CA340022627.